The following is an entry in ClinVar:

NM_001042492.3(NF1):c.2414_2427del (p.Ala805fs)

Gene: NF1 (neurofibromin 1; plus strand). Cytogenetic location: 17q11.2.
Variant type: Deletion.
Coding change: c.2414_2427del on transcript NM_001042492.3 (MANE Select); coding-DNA positions 2414 to 2427, 14 bases deleted (CTGAAAGCCTTCAC).
Protein change: p.Ala805fs; shifts the reading frame from alanine 805.
Molecular consequence: frameshift variant.
Genome position (GRCh38, 1-based): chr17:31,229,029-31,229,042, CTGAAAGCCTTCAC deleted. VCF-style (leftmost placement, unchanged base first): chr17-31229028-GCTGAAAGCCTTCAC-G. GRCh37 (hg19) VCF-style: chr17-29556046-GCTGAAAGCCTTCAC-G.
Other names: c.2414_2427delCTGAAAGCCTTCAC, p.Ala805Glufs (NM_000267.4); short protein forms A805fs.
Identifiers: ClinVar variation 2018826 (VCV002018826.4), dbSNP rs2508181210, ClinGen allele CA2580093244.

ClinVar aggregate classification (germline): Pathogenic (1 of 4 stars; one submission).

Conditions:
Neurofibromatosis, type 1 (NF1). Also called: NEUROFIBROMATOSIS, TYPE I, SOMATIC; Neurofibromatosis, type I; Peripheral type neurofibromatosis; VON RECKLINGHAUSEN DISEASE. Identifiers: Orphanet 636, MedGen C0027831, MONDO:0018975, OMIM 162200. Disease mechanism: loss of function.

Submission:

Labcorp Genetics (formerly Invitae), Labcorp
Classification: Pathogenic for Neurofibromatosis, type 1. Last evaluated: 2022-07-22. Review status: criteria provided, single submitter. Criteria: Invitae Variant Classification Sherloc (09022015). Collection method: clinical testing. Allele origin: germline.
Comment: For these reasons, this variant has been classified as Pathogenic. This variant has not been reported in the literature in individuals affected with NF1-related conditions. This variant is not present in population databases (gnomAD no frequency). This sequence change creates a premature translational stop signal (p.Ala805Glufs*5) in the NF1 gene. It is expected to result in an absent or disrupted protein product. Loss-of-function variants in NF1 are known to be pathogenic (PMID: 10712197, 23913538).

Literature cited by the submitters: PubMed 10712197; PubMed 23913538.